The following is an entry in ClinVar:

NM_000152.5(GAA):c.-75C>G

Genes: CCDC40 (coiled-coil domain 40 molecular ruler complex subunit; plus strand), GAA (alpha glucosidase; plus strand). Cytogenetic location: 17q25.3.
Variant type: single nucleotide variant.
Coding change: c.-75C>G on transcript NM_000152.5 (MANE Select); 75 bases upstream of the start codon, C replaced by G.
Molecular consequence: 5 prime UTR variant. On other transcripts: non-coding transcript variant (1), intron variant (1).
Genome position (GRCh38, 1-based): chr17:80,101,848, C>G. VCF-style: chr17-80101848-C-G. GRCh37 (hg19) VCF-style: chr17-78075647-C-G.
Other names: c.-75C>G (NM_001079803.3, NM_001406741.1); c.-110C>G (NM_001406742.1); c.-33+223C>G (NM_001079804.3).
Identifiers: ClinVar variation 891115 (VCV000891115.8), dbSNP rs80020206, ClinGen allele CA294884572.

ClinVar aggregate classification (germline): Benign/Likely benign. Review status: criteria provided, multiple submitters, no conflicts (2 of 4 stars). 4 submissions from 3 submitters: Benign (1); Likely benign (3). Last evaluated 2026-07-01.

Conditions:
Primary ciliary dyskinesia 15. Also called: CILIARY DYSKINESIA, PRIMARY, 15, WITH OR WITHOUT SITUS INVERSUS. Identifiers: Orphanet 244, MedGen C3151137, MONDO:0013435, OMIM 613808.
Glycogen storage disease, type II (IOPD). Also called: POMPE DISEASE, INFANTILE-ONSET; GLYCOGEN STORAGE DISEASE II, INFANTILE-ONSET; ACID ALPHA-GLUCOSIDASE DEFICIENCY, INFANTILE-ONSET; GAA DEFICIENCY, INFANTILE-ONSET; ACID MALTASE DEFICIENCY, INFANTILE-ONSET; Glucosidase acid-1,4-alpha deficiency. Identifiers: Orphanet 365, MedGen C0017921, MONDO:0009290, OMIM 232300.

Allele frequency attached by ClinVar (database versions not stated): 1000 Genomes Project 0.01218; TOPMed 0.01091; 1000 Genomes Project 30x 0.01234.

Submissions (4):

Genomenon, Inc
Classification: Benign for Glycogen storage disease, type II. Last evaluated: 2026-07-01. Review status: criteria provided, single submitter. Criteria: Genomenon Sequence Variant Interpretation Standards - Updated. Collection method: curation. Allele origin: germline. Affected: no.
Comment: GAA c.-75C>G is a variant located in the 5′ untranslated region (5′ UTR). This variant is present at high allele frequency in population databases. We classify GAA c.-75C>G as a benign variant.

GeneDx
Classification: Likely benign. Last evaluated: 2021-03-17. Review status: criteria provided, single submitter. Criteria: GeneDx Variant Classification Process June 2021. Collection method: clinical testing. Allele origin: germline. Affected: yes.

Illumina Laboratory Services, Illumina
Classification: Likely benign for Glycogen storage disease, type II. Last evaluated: 2018-01-13. Review status: criteria provided, single submitter. Criteria: ICSL Variant Classification Criteria 13 December 2019. Collection method: clinical testing. Allele origin: germline.
Comment: This variant was observed in the ICSL laboratory as part of a predisposition screen in an ostensibly healthy population. It had not been previously curated by ICSL or reported in the Human Gene Mutation Database (HGMD: prior to June 1st, 2018), and was therefore a candidate for classification through an automated scoring system. Utilizing variant allele frequency, disease prevalence and penetrance estimates, and inheritance mode, an automated score was calculated to assess if this variant is too frequent to cause the disease. Based on the score and internal cut-off values, a variant classified as likely benign is not then subjected to further curation. The score for this variant resulted in a classification of likely benign for this disease.

Illumina Laboratory Services, Illumina
Classification: Likely benign for Primary ciliary dyskinesia 15. Last evaluated: 2018-01-12. Review status: criteria provided, single submitter. Criteria: ICSL Variant Classification Criteria 13 December 2019. Collection method: clinical testing. Allele origin: germline.
Comment: the same text as in the submission from Illumina Laboratory Services, Illumina above.